The following is an entry in ClinVar:

NM_004035.7(ACOX1):c.545A>G (p.Lys182Arg)

Gene: ACOX1 (acyl-CoA oxidase 1; minus strand). Cytogenetic location: 17q25.1.
Variant type: single nucleotide variant.
Coding change: c.545A>G on transcript NM_004035.7 (MANE Select); coding-DNA position 545, A replaced by G.
Protein change: p.Lys182Arg; replaces lysine 182 with arginine.
Molecular consequence: missense variant.
Genome position (GRCh38, 1-based): chr17:75,955,941, T>C on the plus strand (A>G on the coding strand, the complement: ACOX1 is on the minus strand). VCF-style: chr17-75955941-T-C. GRCh37 (hg19) VCF-style: chr17-73952022-T-C.
Other names: c.431A>G, p.Lys144Arg (NM_001185039.2); c.545A>G, p.Lys182Arg (NM_007292.6); short protein forms K144R, K182R.
Identifiers: ClinVar variation 2419673 (VCV002419673.6), dbSNP rs1474749827, ClinGen allele CA401068249.
Genomic context (GRCh38, chr17:75,955,941, plus strand): 5'-AATCCATAGCATTTCCCCTTAGTGATGAGCTGGGCAAGAACTATTGCATGATTTGAAGTC[T>C]TTCCAACTGTAATATCAAAGAGAACAAGGGAGGGGTGGGCAAACGTTCATACATTTTTAA-3'
Protein context (NP_004026.2, residues 172-192): SIKWWPGGLG[Lys182Arg]TSNHAIVLAQ

ClinVar aggregate classification (germline): Uncertain significance (1 of 4 stars; one submission).

Conditions:
Acyl-CoA oxidase deficiency. Also called: Pseudoneonatal adrenoleukodystrophy; Peroxisomal acyl-CoA oxidase deficiency; STRAIGHT-CHAIN ACYL-CoA OXIDASE DEFICIENCY. Identifiers: Orphanet 2971, MedGen C1849678, MONDO:0009919, OMIM 264470. Disease mechanism: loss of function.

Allele frequency attached by ClinVar (database versions not stated): TOPMed below 0.00001.
gnomAD v4.1: 1 of 1,614,218 alleles (0.000062%); no homozygotes.

Submission:

Labcorp Genetics (formerly Invitae), Labcorp
Classification: Uncertain significance for Acyl-CoA oxidase deficiency. Last evaluated: 2022-09-09. Review status: criteria provided, single submitter. Criteria: Invitae Variant Classification Sherloc (09022015). Collection method: clinical testing. Allele origin: germline.
Comment: This variant is not present in population databases (gnomAD no frequency). This sequence change replaces lysine, which is basic and polar, with arginine, which is basic and polar, at codon 182 of the ACOX1 protein (p.Lys182Arg). This variant has not been reported in the literature in individuals affected with ACOX1-related conditions. Advanced modeling of protein sequence and biophysical properties (such as structural, functional, and spatial information, amino acid conservation, physicochemical variation, residue mobility, and thermodynamic stability) performed at Invitae indicates that this missense variant is not expected to disrupt ACOX1 protein function. In summary, the available evidence is currently insufficient to determine the role of this variant in disease. Therefore, it has been classified as a Variant of Uncertain Significance.